The following is an entry in ClinVar:

ClinVar aggregate classification (germline): Uncertain significance (1 of 4 stars; one submission).

Conditions:
Hereditary cancer-predisposing syndrome. Also called: Tumor predisposition; Neoplastic Syndromes, Hereditary; Hereditary neoplastic syndrome; Hereditary Cancer Syndrome. Identifiers: Orphanet 140162, MedGen C0027672, MeSH D009386, MONDO:0015356.

Submission:

Ambry Genetics
Classification: Uncertain significance for Hereditary cancer-predisposing syndrome. Last evaluated: 2025-08-27. Review status: criteria provided, single submitter. Criteria: Ambry Variant Classification Scheme 2023. Collection method: clinical testing. Allele origin: germline.
Comment: The p.K38E variant (also known as c.112A>G), located in coding exon 2 of the MUTYH gene, results from an A to G substitution at nucleotide position 112. The lysine at codon 38 is replaced by glutamic acid, an amino acid with similar properties. This amino acid position is conserved. In addition, this alteration is predicted to be tolerated by in silico analysis. Based on the available evidence, the clinical significance of this variant remains unclear.

NM_001048174.2(MUTYH):c.70A>G (p.Lys24Glu)

Gene: MUTYH (mutY DNA glycosylase; minus strand). Cytogenetic location: 1p34.1.
Variant type: single nucleotide variant.
Coding change: c.70A>G on transcript NM_001048174.2 (MANE Select); coding-DNA position 70, A replaced by G.
Protein change: p.Lys24Glu; replaces lysine 24 with glutamic acid.
Molecular consequence: missense variant. On other transcripts: non-coding transcript variant (7), 5 prime UTR variant (7).
Genome position (GRCh38, 1-based): chr1:45,334,436, T>C on the plus strand (A>G on the coding strand, the complement: MUTYH is on the minus strand). VCF-style: chr1-45334436-T-C. GRCh37 (hg19) VCF-style: chr1-45800108-T-C.
Other names: c.112A>G, p.Lys38Glu (NM_012222.3, NM_001407069.1, NM_001407073.1 and 2 more transcripts); c.70A>G, p.Lys24Glu (NM_001048171.2, NM_001407070.1, NM_001407071.1 and 15 more transcripts); c.-138A>G (NM_001350651.2, NM_001407082.1); c.-87A>G (NM_001407075.1); c.88A>G, p.Lys30Glu (NM_001407087.1); c.-143A>G (NM_001407091.1, NM_001293192.2, NM_001293196.2); c.-202A>G (NM_001350650.2); short protein forms K38E, K24E, K30E.
Identifiers: ClinVar variation 4113037 (VCV004113037.1).